The following is an entry in ClinVar:

ClinVar aggregate classification (germline): Uncertain significance. Review status: criteria provided, multiple submitters, no conflicts (2 of 4 stars). 3 submissions from 3 submitters: Uncertain significance (3). Last evaluated 2025-08-30.

Conditions:
Inborn genetic diseases. Identifiers: MedGen C0950123, MeSH D030342.

Allele frequency attached by ClinVar (database versions not stated): ExAC 0.00005; gnomAD 0.00005 and 0.00002; gnomAD exomes 0.00006 and 0.00004; 1000 Genomes Project 0.00040; 1000 Genomes Project 30x 0.00062; TOPMed 0.00001.
gnomAD v4.1: 100 of 1,614,150 alleles (0.0062%); highest among the groups gnomAD compares: Middle Eastern, 0.2%; 1 homozygote.

Submissions (3):

Ambry Genetics
Classification: Uncertain significance for Inborn genetic diseases. Last evaluated: 2025-08-30. Review status: criteria provided, single submitter. Criteria: Ambry Variant Classification Scheme 2023. Collection method: clinical testing. Allele origin: germline.

Labcorp Genetics (formerly Invitae), Labcorp
Classification: Uncertain significance. Last evaluated: 2021-08-26. Review status: criteria provided, single submitter. Criteria: Invitae Variant Classification Sherloc (09022015). Collection method: clinical testing. Allele origin: germline.
Comment: This sequence change replaces arginine with cysteine at codon 75 of the CNGA3 protein (p.Arg75Cys). The arginine residue is moderately conserved and there is a large physicochemical difference between arginine and cysteine. This variant is present in population databases (rs77733216, ExAC 0.03%). This variant has not been reported in the literature in individuals affected with CNGA3-related conditions. Algorithms developed to predict the effect of missense changes on protein structure and function are either unavailable or do not agree on the potential impact of this missense change (SIFT: "Deleterious"; PolyPhen-2: "Possibly Damaging"; Align-GVGD: "Class C0"). In summary, the available evidence is currently insufficient to determine the role of this variant in disease. Therefore, it has been classified as a Variant of Uncertain Significance.

Breakthrough Genomics
Classification: Uncertain significance. Review status: criteria provided, single submitter. Criteria: ACMG Guidelines, 2015. Collection method: not provided. Allele origin: germline. Inheritance: Autosomal recessive inheritance. Affected: yes.

NM_001298.3(CNGA3):c.223C>T (p.Arg75Cys)

Gene: CNGA3 (cyclic nucleotide gated channel subunit alpha 3; plus strand). Cytogenetic location: 2q11.2.
Variant type: single nucleotide variant.
Coding change: c.223C>T on transcript NM_001298.3 (MANE Select); coding-DNA position 223, C replaced by T.
Protein change: p.Arg75Cys; replaces arginine 75 with cysteine.
Molecular consequence: missense variant.
Genome position (GRCh38, 1-based): chr2:98,380,182, C>T. VCF-style: chr2-98380182-C-T. GRCh37 (hg19) VCF-style: chr2-98996645-C-T.
Other names: c.223C>T, p.Arg75Cys (NM_001079878.2); short protein forms R75C.
Identifiers: ClinVar variation 958157 (VCV000958157.9), dbSNP rs77733216, ClinGen allele CA1793666.